The following is an entry in ClinVar:

ClinVar aggregate classification (germline): Pathogenic/Likely pathogenic. Review status: criteria provided, multiple submitters, no conflicts (2 of 4 stars). 3 submissions from 3 submitters: Pathogenic (1); Likely pathogenic (1). 1 of the submissions does not count toward it. Last evaluated 2019-08-05.

Conditions:
Torsion dystonia 6 (DYT6). Also called: DYT-THAP1. Identifiers: Orphanet 98806, MedGen C1414216, MONDO:0011264, OMIM 602629.

Submissions (3):

Labcorp Genetics (formerly Invitae), Labcorp
Classification: Pathogenic for Torsion dystonia 6. Last evaluated: 2019-08-05. Review status: criteria provided, single submitter. Criteria: Invitae Variant Classification Sherloc (09022015). Collection method: clinical testing. Allele origin: germline.
Comment: This sequence change results in a premature translational stop signal in the THAP1 gene (p.Glu91Ilefs*28). While this is not anticipated to result in nonsense mediated decay, it is expected to disrupt the last 91 amino acids of the THAP1 protein. This variant is present in population databases (rs749414480, ExAC 0.002%). This variant has not been reported in the literature in individuals with THAP1-related conditions. This variant disrupts the C-terminus of the THAP1 protein. Other variant(s) that disrupt this region (p.Arg169*) have been determined to be pathogenic (Invitae). This suggests that variants that disrupt this region of the protein are likely to be causative of disease. For these reasons, this variant has been classified as Pathogenic.

CeGaT Center for Human Genetics Tuebingen
Classification: Likely pathogenic. Last evaluated: 2017-06-01. Review status: criteria provided, single submitter. Criteria: CeGaT Center For Human Genetics Tuebingen Variant Classification Criteria Version 2. Collection method: clinical testing. Allele origin: germline. Affected: yes. Observed: 1 variant allele.

Department of Neurodegenerative Diseases, AG Gasser, Hertie Institute for Clinical Brain Research
Classification: Pathogenic. Last evaluated: 2026-01-15. Review status: no assertion criteria provided. Collection method: research. Allele origin: germline. Inheritance: Autosomal dominant inheritance. Affected: yes. Not counted in ClinVar's aggregate classification.

NM_018105.3(THAP1):c.270_273del

Gene: THAP1 (THAP domain containing 1; minus strand). Cytogenetic location: 8p11.21.
Variant type: Microsatellite.
Coding change: c.270_273del on transcript NM_018105.3 (MANE Select); coding-DNA positions 270 to 273, 4 bases deleted (AGAA; older notation c.270_273delAGAA).
Molecular consequence: splice acceptor variant.
Genome position (GRCh38, 1-based): chr8:42,838,331-42,838,334, TTCT deleted on the plus strand (AGAA on the coding strand, the reverse complement: THAP1 is on the minus strand); deleting any 4 consecutive bases within chr8:42,838,331-42,838,338 gives the same sequence; the c. name uses the placement nearest the transcript's 3' end. VCF-style (leftmost placement, unchanged base first): chr8-42838330-CTTCT-C. GRCh37 (hg19) VCF-style: chr8-42693473-CTTCT-C.
Identifiers: ClinVar variation 444750 (VCV000444750.42), dbSNP rs749414480, ClinGen allele CA4734560.